The following is an entry in ClinVar:

NM_001114753.3(ENG):c.361-2A>T

Gene: ENG (endoglin; minus strand). Cytogenetic location: 9q34.11.
Variant type: single nucleotide variant.
Coding change: c.361-2A>T on transcript NM_001114753.3 (MANE Select); the canonical splice acceptor site of the intron before coding-DNA position 361, A replaced by T.
Molecular consequence: splice acceptor variant.
Genome position (GRCh38, 1-based): chr9:127,826,674, T>A on the plus strand (A>T on the coding strand, the complement: ENG is on the minus strand). VCF-style: chr9-127826674-T-A. GRCh37 (hg19) VCF-style: chr9-130588953-T-A.
Other names: c.361-2A>T (NM_000118.4, NM_001406715.1); c.-186-2A>T (NM_001278138.2).
Identifiers: ClinVar variation 1733242 (VCV001733242.6), dbSNP rs2539078164, ClinGen allele CA374984493.

ClinVar aggregate classification (germline): Pathogenic. Review status: criteria provided, multiple submitters, no conflicts (2 of 4 stars). 2 submissions from 2 submitters: Pathogenic (2). Last evaluated 2022-03-31.

Conditions:
Telangiectasia, hereditary hemorrhagic, type 1 (HHT1). Also called: Osler Weber Rendu syndrome type 1; ENG-Related Hereditary Hemorrhagic Telangiectasia. Identifiers: Orphanet 774, MedGen C4551861, MONDO:0008535, OMIM 187300. Disease mechanism: loss of function.
Cardiovascular phenotype. Identifiers: MedGen CN230736.

Submissions (2):

ARUP Laboratories, Molecular Genetics and Genomics, ARUP Laboratories
Classification: Pathogenic for Telangiectasia, hereditary hemorrhagic, type 1. Last evaluated: 2022-03-31. Review status: criteria provided, single submitter. Criteria: ARUP Molecular Germline Variant Investigation Process 2021. Collection method: clinical testing. Allele origin: germline.
Comment: The ENG c.361-2A>T variant, to our knowledge, is not reported in the medical literature or gene specific databases. This variant is also absent from the Genome Aggregation Database, indicating it is not a common polymorphism. Other variants at this nucleotide (c.361-2A>G, c.361-2A>C) have been reported in individuals with HHT (Brusgaard 2004, Kjeldsen 2005, Shovlin 1997). The c.361-2A>T variant disrupts the canonical splice acceptor site of intron 3, which is likely to negatively impact gene function. Based on available information, this variant is considered to be pathogenic. References: Brusgaard K et al. Mutations in endoglin and in activin receptor-like kinase 1 among Danish patients with hereditary haemorrhagic telangiectasia. Clin Genet. 2004 Dec;66(6):556-61. PMID: 15521985. Kjeldsen AD et al. Clinical symptoms according to genotype amongst patients with hereditary haemorrhagic telangiectasia. J Intern Med. 2005 Oct;258(4):349-55. PMID: 16164574. Shovlin CL et al. Characterization of endoglin and identification of novel mutations in hereditary hemorrhagic telangiectasia. Am J Hum Genet. 1997 Jul;61(1):68-79. PMID: 9245986.

Ambry Genetics
Classification: Pathogenic for Cardiovascular phenotype. Last evaluated: 2020-05-26. Review status: criteria provided, single submitter. Criteria: Ambry Variant Classification Scheme 2023. Collection method: clinical testing. Allele origin: germline.
Comment: The c.361-2A>T intronic pathogenic mutation results from an A to T substitution two nucleotides upstream from coding exon 4 in the ENG gene. A different variant at the same nucleotide position (c.361-2A>G) has been detected in multiple individuals with hereditary hemorrhagic telangiectasia (Brusgaard K et al. Clin. Genet., 2004 Dec;66:556-61; Lux A et al. Orphanet J Rare Dis, 2013 Jun;8:94; T&oslash;rring PM et al. PLoS ONE, 2014 Mar;9:e90272). In addition to the clinical data presented in the literature, alterations that disrupt the canonical splice site are expected to cause aberrant splicing, resulting in an abnormal protein or a transcript that is subject to nonsense-mediated mRNA decay. As such, this alteration is classified as a disease-causing mutation.

Literature cited by the submitters: PubMed 15521985 (cited by Ambry Genetics); PubMed 16164574 (cited by Ambry Genetics).